The following is an entry in ClinVar:

NM_002180.3(IGHMBP2):c.2611+1G>A

Gene: IGHMBP2 (immunoglobulin mu DNA binding protein 2; plus strand). Cytogenetic location: 11q13.3.
Variant type: single nucleotide variant.
Coding change: c.2611+1G>A on transcript NM_002180.3 (MANE Select); the canonical splice donor site of the intron after coding-DNA position 2611, G replaced by A.
Molecular consequence: splice donor variant.
Genome position (GRCh38, 1-based): chr11:68,937,092, G>A. VCF-style: chr11-68937092-G-A. GRCh37 (hg19) VCF-style: chr11-68704560-G-A.
Identifiers: ClinVar variation 954942 (VCV000954942.10), dbSNP rs786205090, ClinGen allele CA381654181.

ClinVar aggregate classification (germline): Pathogenic (1 of 4 stars; one submission).

Conditions:
Autosomal recessive distal spinal muscular atrophy 1. Also called: Spinal muscular atrophy with respiratory distress 1; HMN VI; NEURONOPATHY, SEVERE INFANTILE AXONAL, WITH RESPIRATORY FAILURE; NEURONOPATHY, DISTAL HEREDITARY MOTOR, HARDING TYPE VI; NEUROPATHY, DISTAL HEREDITARY MOTOR, AUTOSOMAL RECESSIVE 1; SEVERE INFANTILE AXONAL NEUROPATHY WITH RESPIRATORY FAILURE. Identifiers: Orphanet 98920, MedGen C1858517, MONDO:0011436, OMIM 604320.
Charcot-Marie-Tooth disease axonal type 2S. Also called: CHARCOT-MARIE-TOOTH NEUROPATHY, TYPE 2S; CHARCOT-MARIE-TOOTH DISEASE, AXONAL, AUTOSOMAL RECESSIVE, TYPE 2S. Identifiers: Orphanet 443073, MedGen C4015349, MONDO:0014511, OMIM 616155.

Submission:

Labcorp Genetics (formerly Invitae), Labcorp
Classification: Pathogenic for Autosomal recessive distal spinal muscular atrophy 1; Charcot-Marie-Tooth disease axonal type 2S. Last evaluated: 2023-07-28. Review status: criteria provided, single submitter. Criteria: Invitae Variant Classification Sherloc (09022015). Collection method: clinical testing. Allele origin: germline.
Comment: This sequence change affects a donor splice site in intron 13 of the IGHMBP2 gene. It is expected to disrupt RNA splicing. Variants that disrupt the donor or acceptor splice site typically lead to a loss of protein function (PMID: 16199547), and loss-of-function variants in IGHMBP2 are known to be pathogenic (PMID: 14681881, 25439726, 25568292). This variant is not present in population databases (gnomAD no frequency). For these reasons, this variant has been classified as Pathogenic. Algorithms developed to predict the effect of sequence changes on RNA splicing suggest that this variant may disrupt the consensus splice site. ClinVar contains an entry for this variant (Variation ID: 954942). Disruption of this splice site has been observed in individuals with IGHMBP2-related neuropathy (PMID: 11528396).

Literature cited by the submitters: PubMed 16199547; PubMed 14681881; PubMed 25439726; PubMed 25568292; PubMed 11528396.